The following is an entry in ClinVar:

NM_005629.4(SLC6A8):c.230G>A (p.Arg77His)

Gene: SLC6A8 (solute carrier family 6 member 8; plus strand). Cytogenetic location: Xq28.
Variant type: single nucleotide variant.
Coding change: c.230G>A on transcript NM_005629.4 (MANE Select); coding-DNA position 230, G replaced by A.
Protein change: p.Arg77His; replaces arginine 77 with histidine.
Molecular consequence: missense variant.
Genome position (GRCh38, 1-based): chrX:153,688,804, G>A. VCF-style: chrX-153688804-G-A. GRCh37 (hg19) VCF-style: chrX-152954259-G-A.
Other names: c.230G>A, p.Arg77His (NM_001142805.2); short protein forms R77H.
Identifiers: ClinVar variation 2498331 (VCV002498331.1), dbSNP rs2522145854, ClinGen allele CA415077002.

ClinVar aggregate classification (germline): Uncertain significance (1 of 4 stars; one submission).

Conditions:
Creatine transporter deficiency (CCDS1). Also called: Mental retardation , X-linked with seizures, short stature and midface hypoplasia; Mental retardation , X-linked, with creatine transport deficiency; X-linked creatine transporter deficiency; X-linked creatine deficiency syndrome; SLC6A8-Related Creatine Transporter Deficiency; CREATINE TRANSPORTER DEFECT. Identifiers: Orphanet 52503, MedGen C1845862, MONDO:0010305, OMIM 300352.

Allele frequency attached by ClinVar (database versions not stated): gnomAD exomes below 0.00001.
gnomAD v4.1: 2 of 1,138,351 alleles (0.00018%); highest among the groups gnomAD compares: Non-Finnish European, 0.00023%; no homozygotes.

Submission:

Pediatrics, Sichuan Provincial Hospital For Women And Children
Classification: Uncertain significance for Creatine transporter deficiency. Last evaluated: 2023-03-20. Review status: criteria provided, single submitter. Criteria: ACMG Guidelines, 2015. Collection method: provider interpretation. Allele origin: maternal. Inheritance: X-linked dominant inheritance. Affected: yes. Observed: 1 hemizygote.